The following is an entry in ClinVar:

ClinVar aggregate classification (germline): Likely benign. Review status: criteria provided, multiple submitters, no conflicts (2 of 4 stars). 8 submissions from 8 submitters: Likely benign (5). 3 of the submissions do not count toward it. Last evaluated 2024-09-23.

Conditions:
Arrhythmogenic right ventricular dysplasia 11. Also called: Arrhythmogenic Right Ventricular Dysplasia/Cardiomyopathy11; ARRHYTHMOGENIC RIGHT VENTRICULAR DYSPLASIA, FAMILIAL, 11; Arrhythmogenic right ventricular dysplasia 11 with mild palmoplantar keratoderma and woolly hair. Identifiers: MedGen C1864850, MONDO:0012506, OMIM 610476.
DSC2-related disorder. Also called: DSC2-related condition.
Cardiovascular phenotype. Identifiers: MedGen CN230736.
Cardiomyopathy (CMYO). Also called: Cardiomyopathies. Identifiers: Orphanet 167848, MedGen C0878544, MONDO:0004994, HP:0001638. Inheritance: Various modes of inheritance.
Familial isolated arrhythmogenic right ventricular dysplasia. Identifiers: Orphanet 217656, MedGen C4274968, MONDO:0016342.

Allele frequency attached by ClinVar (database versions not stated): TOPMed below 0.00001; ExAC 0.00001; gnomAD 0.00001; gnomAD exomes 0.00002.
gnomAD v4.1: 10 of 1,613,676 alleles (0.00062%); highest among the groups gnomAD compares: East Asian, 0.0089%; no homozygotes.

Submissions (8):

All of Us Research Program, National Institutes of Health
Classification: Likely benign for Familial isolated arrhythmogenic right ventricular dysplasia. Last evaluated: 2024-09-23. Review status: criteria provided, single submitter. Criteria: ACMG Guidelines, 2015. Collection method: clinical testing. Allele origin: germline. Inheritance: Autosomal dominant inheritance. Observed: 4 variant alleles, 4 heterozygotes.
Comment: This study involves interpretation of variants in research participants for the purpose of population health screening. Participant phenotype was not available at the time of variant classification. Additional details can be found in publication PMID: 35346344, PMCID: PMC8962531

Labcorp Genetics (formerly Invitae), Labcorp
Classification: Likely benign for Arrhythmogenic right ventricular dysplasia 11. Last evaluated: 2022-01-17. Review status: criteria provided, single submitter. Criteria: Invitae Variant Classification Sherloc (09022015). Collection method: clinical testing. Allele origin: germline.

Blueprint Genetics
Classification: Likely benign. Last evaluated: 2020-09-28. Review status: criteria provided, single submitter. Criteria: ACMG Guidelines, 2015. Collection method: clinical testing. Allele origin: germline.

Ambry Genetics
Classification: Likely benign for Cardiovascular phenotype. Last evaluated: 2019-12-05. Review status: criteria provided, single submitter. Criteria: Ambry Variant Classification Scheme 2023. Collection method: clinical testing. Allele origin: germline.

Color Diagnostics, LLC DBA Color Health
Classification: Likely benign for Cardiomyopathy. Last evaluated: 2018-08-27. Review status: criteria provided, single submitter. Criteria: ACMG Guidelines, 2015. Collection method: clinical testing. Allele origin: germline.

PreventionGenetics, part of Exact Sciences
Classification: Likely benign for DSC2-related condition. Last evaluated: 2021-03-16. Review status: no assertion criteria provided. Collection method: clinical testing. Allele origin: germline. Not counted in ClinVar's aggregate classification.
Comment: This variant is classified as likely benign based on ACMG/AMP sequence variant interpretation guidelines (Richards et al. 2015 PMID: 25741868, with internal and published modifications).

Clinical Genetics, Academic Medical Center
Classification: Benign. Review status: no assertion criteria provided. Collection method: clinical testing. Allele origin: germline. Affected: yes. Study: VKGL Data-share Consensus. Not counted in ClinVar's aggregate classification.

Joint Genome Diagnostic Labs from Nijmegen and Maastricht, Radboudumc and MUMC+
Classification: Likely benign. Review status: no assertion criteria provided. Collection method: clinical testing. Allele origin: germline. Affected: yes. Study: VKGL Data-share Consensus. Not counted in ClinVar's aggregate classification.

NM_024422.6(DSC2):c.627T>C (p.Phe209=)

Gene: DSC2 (desmocollin 2; minus strand). Cytogenetic location: 18q12.1.
Variant type: single nucleotide variant.
Coding change: c.627T>C on transcript NM_024422.6 (MANE Select); coding-DNA position 627, T replaced by C.
Protein change: p.Phe209=; no amino-acid change (phenylalanine 209 retained).
Molecular consequence: synonymous variant.
Genome position (GRCh38, 1-based): chr18:31,089,442, A>G on the plus strand (T>C on the coding strand, the complement: DSC2 is on the minus strand). VCF-style: chr18-31089442-A-G. GRCh37 (hg19) VCF-style: chr18-28669405-A-G.
Other names: c.627T>C, p.Phe209= (NM_004949.5); c.627T>C (NM_024422.4).
Identifiers: ClinVar variation 629156 (VCV000629156.27), dbSNP rs754168300, ClinGen allele CA039039.